The following is an entry in ClinVar:

NM_025137.4(SPG11):c.953del (p.Pro318fs)

Gene: SPG11 (SPG11 vesicle trafficking associated, spatacsin; minus strand). Cytogenetic location: 15q21.1.
Variant type: Deletion.
Coding change: c.953del on transcript NM_025137.4 (MANE Select); coding-DNA position 953, one base deleted (C; older notation c.953delC).
Protein change: p.Pro318fs; shifts the reading frame from proline 318.
Molecular consequence: frameshift variant.
Genome position (GRCh38, 1-based): chr15:44,652,183, G deleted on the plus strand (C on the coding strand, the reverse complement: SPG11 is on the minus strand); the first of 2 consecutive G bases (chr15:44,652,183-44,652,184); deleting either gives the same sequence. VCF-style (leftmost placement, unchanged base first): chr15-44652182-AG-A. GRCh37 (hg19) VCF-style: chr15-44944380-AG-A.
Other names: c.953del, p.Pro318fs (NM_001160227.2); short protein forms P318fs.
Identifiers: ClinVar variation 1365222 (VCV001365222.6), dbSNP rs2141108180, ClinGen allele CA2573150744.

ClinVar aggregate classification (germline): Pathogenic (1 of 4 stars; one submission).

Conditions:
Hereditary spastic paraplegia 11. Also called: Spastic paraplegia, mental retardation and thin corpus callosum; Spastic Paraplegia 11; Nakamura Osame syndrome; Autosomal recessive hereditary spastic paraplegia, mental impairment, and thin corpus callosum; SPASTIC PARAPLEGIA, AUTOSOMAL RECESSIVE, COMPLICATED, WITH THIN CORPUS CALLOSUM; SPASTIC PARAPLEGIA, AUTOSOMAL RECESSIVE, WITH MENTAL IMPAIRMENT AND THIN CORPUS CALLOSUM. Identifiers: Orphanet 2822, MedGen C1858479, MONDO:0011445, OMIM 604360.

Submission:

Labcorp Genetics (formerly Invitae), Labcorp
Classification: Pathogenic for Hereditary spastic paraplegia 11. Last evaluated: 2021-09-14. Review status: criteria provided, single submitter. Criteria: Invitae Variant Classification Sherloc (09022015). Collection method: clinical testing. Allele origin: germline.
Comment: For these reasons, this variant has been classified as Pathogenic. This variant has not been reported in the literature in individuals affected with SPG11-related conditions. This variant is not present in population databases (ExAC no frequency). This sequence change creates a premature translational stop signal (p.Pro318Leufs*8) in the SPG11 gene. It is expected to result in an absent or disrupted protein product. Loss-of-function variants in SPG11 are known to be pathogenic (PMID: 19105190, 20110243, 22154821, 26556829).

Literature cited by the submitters: PubMed 19105190; PubMed 20110243; PubMed 22154821; PubMed 26556829.